The following is an entry in ClinVar:

ClinVar aggregate classification (germline): Benign. Review status: criteria provided, multiple submitters, no conflicts (2 of 4 stars). 7 submissions from 7 submitters: Benign (7). Last evaluated 2026-02-01.

Allele frequency attached by ClinVar (database versions not stated): gnomAD exomes 0.00971 and 0.02465; ExAC 0.02945; gnomAD 0.09022 and 0.09717; 1000 Genomes Project 0.09065; 1000 Genomes Project 30x 0.09681; TOPMed 0.10311; ESP Exome Variant Server 0.10672.
gnomAD v4.1: 28,583 of 1,613,036 alleles (1.8%); highest among the groups gnomAD compares: African/African-American, 32%; 3,788 homozygotes.

Submissions (7):

Labcorp Genetics (formerly Invitae), Labcorp
Classification: Benign. Last evaluated: 2026-02-01. Review status: criteria provided, single submitter. Criteria: Invitae Variant Classification Sherloc (09022015). Collection method: clinical testing. Allele origin: germline.

Mayo Clinic Laboratories, Mayo Clinic
Classification: Benign. Last evaluated: 2022-04-17. Review status: criteria provided, single submitter. Criteria: ACMG Guidelines, 2015. Collection method: clinical testing. Allele origin: germline. Observed: 5 variant alleles.

Athena Diagnostics
Classification: Benign. Last evaluated: 2020-07-09. Review status: criteria provided, single submitter. Criteria: Athena Diagnostics Criteria. Collection method: clinical testing. Allele origin: unknown.

GeneDx
Classification: Benign. Last evaluated: 2017-10-09. Review status: criteria provided, single submitter. Criteria: GeneDx Variant Classification (06012015). Collection method: clinical testing. Allele origin: germline. Affected: yes.
Comment: This variant is considered likely benign or benign based on one or more of the following criteria: it is a conservative change, it occurs at a poorly conserved position in the protein, it is predicted to be benign by multiple in silico algorithms, and/or has population frequency not consistent with disease.

Laboratory for Molecular Medicine, Mass General Brigham Personalized Medicine
Classification: Benign. Last evaluated: 2015-04-28. Review status: criteria provided, single submitter. Criteria: LMM Criteria. Collection method: clinical testing. Allele origin: germline. Observed: 60 variant alleles.
Comment: p.Ser230Ser in exon 7 of DIABLO: This variant is not expected to have clinical s ignificance because it has been identified in 31.1% (3168/10204) of African chro mosomes by the Exome Aggregation Consortium (ExAC, g; dbSNP rs35426428).

Breakthrough Genomics
Classification: Benign. Review status: criteria provided, single submitter. Criteria: ACMG Guidelines, 2015. Collection method: not provided. Allele origin: germline. Inheritance: Autosomal dominant inheritance. Affected: yes.

PreventionGenetics, part of Exact Sciences
Classification: Benign. Review status: criteria provided, single submitter. Criteria: ACMG Guidelines, 2015. Collection method: clinical testing. Allele origin: germline.

NM_001371333.1(DIABLO):c.690G>A (p.Ser230=)

Genes: B3GNT4 (UDP-GlcNAc:betaGal beta-1,3-N-acetylglucosaminyltransferase 4; plus strand), DIABLO (diablo IAP-binding mitochondrial protein; minus strand). Cytogenetic location: 12q24.31.
Variant type: single nucleotide variant.
Coding change: c.690G>A on transcript NM_001371333.1 (MANE Select); coding-DNA position 690, G replaced by A.
Protein change: p.Ser230=; no amino-acid change (serine 230 retained).
Molecular consequence: synonymous variant. On other transcripts: 3 prime UTR variant (2).
Genome position (GRCh38, 1-based): chr12:122,208,411, C>T on the plus strand (G>A on the coding strand, the complement: DIABLO is on the minus strand). VCF-style: chr12-122208411-C-T. GRCh37 (hg19) VCF-style: chr12-122692958-C-T.
Other names: p.Ser230=; c.399G>A, p.Ser133= (NM_001278302.1); c.471G>A, p.Ser157= (NM_001278303.1); c.531G>A, p.Ser177= (NM_001278304.2, NM_138930.3); c.558G>A, p.Ser186= (NM_001278342.1); c.690G>A, p.Ser230= (NM_019887.6); c.*1023C>T (NM_001330492.2, NM_030765.4).
Identifiers: ClinVar variation 226562 (VCV000226562.15), dbSNP rs35426428, ClinGen allele CA6843762.
Genomic context (GRCh38, chr12:122,208,411, plus strand): 5'-GTGGGGAGACAGGGCAGTGTGCTCAGGCCCTCAATCCTCACGCAGGTAGGCCTCCTGCTC[C>T]GACTCAGCCCGCTCCTCCCCTTCCTCCTGTGTTTTCTGACGGAGCTCTTCTATCTGTGCT-3'
Protein context (NP_001358262.1, residues 220-239): TQEEGEERAE[Ser230=]EQEAYLRED